The following is an entry in ClinVar:

NM_002599.5(PDE2A):c.207G>A (p.Glu69=)

Gene: PDE2A (phosphodiesterase 2A; minus strand). Cytogenetic location: 11q13.4.
Variant type: single nucleotide variant.
Coding change: c.207G>A on transcript NM_002599.5 (MANE Select); coding-DNA position 207, G replaced by A.
Protein change: p.Glu69=; no amino-acid change (glutamic acid 69 retained).
Molecular consequence: synonymous variant.
Genome position (GRCh38, 1-based): chr11:72,608,689, C>T on the plus strand (G>A on the coding strand, the complement: PDE2A is on the minus strand). VCF-style: chr11-72608689-C-T. GRCh37 (hg19) VCF-style: chr11-72319733-C-T.
Other names: c.186G>A, p.Glu62= (NM_001143839.4); c.180G>A, p.Glu60= (NM_001146209.3); c.144G>A, p.Glu48= (NM_001243784.2).
Identifiers: ClinVar variation 4874958 (VCV004874958.2).

ClinVar aggregate classification (germline): Likely benign (1 of 4 stars; one submission).

Submission:

CeGaT Center for Human Genetics Tuebingen
Classification: Likely benign. Last evaluated: 2026-05-01. Review status: criteria provided, single submitter. Criteria: CeGaT Center For Human Genetics Tuebingen Variant Classification Criteria Version 2. Collection method: clinical testing. Allele origin: germline. Affected: yes. Observed: 1 variant allele.
Comment: PDE2A: PM2:Supporting, BP4, BP7